The following is an entry in ClinVar:

ClinVar aggregate classification (germline): Uncertain significance (1 of 4 stars; one submission).

Conditions:
Developmental and epileptic encephalopathy 94 (DEE94). Also called: CHD2-Related Neurodevelopmental Disorders; Epileptic encephalopathy, childhood-onset. Identifiers: Orphanet 1942, Orphanet 2382, MedGen C3809278, MONDO:0014150, OMIM 615369.

Allele frequency attached by ClinVar (database versions not stated): gnomAD exomes below 0.00001; TOPMed below 0.00001.
gnomAD v4.1: 3 of 1,599,740 alleles (0.00019%); highest among the groups gnomAD compares: Non-Finnish European, 0.00026%; no homozygotes.

Submission:

Labcorp Genetics (formerly Invitae), Labcorp
Classification: Uncertain significance for Developmental and epileptic encephalopathy 94. Last evaluated: 2023-09-19. Review status: criteria provided, single submitter. Criteria: Invitae Variant Classification Sherloc (09022015). Collection method: clinical testing. Allele origin: germline.
Comment: In summary, the available evidence is currently insufficient to determine the role of this variant in disease. Therefore, it has been classified as a Variant of Uncertain Significance. Algorithms developed to predict the effect of sequence changes on RNA splicing suggest that this variant may disrupt the consensus splice site. This variant has not been reported in the literature in individuals affected with CHD2-related conditions. This variant is not present in population databases (gnomAD no frequency). This sequence change falls in intron 18 of the CHD2 gene. It does not directly change the encoded amino acid sequence of the CHD2 protein.

NM_001271.4(CHD2):c.2353-16T>C

Gene: CHD2 (chromodomain helicase DNA binding protein 2; plus strand). Cytogenetic location: 15q26.1.
Variant type: single nucleotide variant.
Coding change: c.2353-16T>C on transcript NM_001271.4 (MANE Select); 16 bases into the intron before coding-DNA position 2353, T replaced by C.
Molecular consequence: intron variant.
Genome position (GRCh38, 1-based): chr15:92,972,249, T>C. VCF-style: chr15-92972249-T-C. GRCh37 (hg19) VCF-style: chr15-93515479-T-C.
Identifiers: ClinVar variation 2888843 (VCV002888843.3), dbSNP rs1316490821, ClinGen allele CA717235205.